The following is an entry in ClinVar:

NM_138927.4(SON):c.5971C>T (p.Arg1991Trp)

Gene: SON (SON DNA and RNA binding protein; plus strand). Cytogenetic location: 21q22.11.
Variant type: single nucleotide variant.
Coding change: c.5971C>T on transcript NM_138927.4 (MANE Select); coding-DNA position 5971, C replaced by T.
Protein change: p.Arg1991Trp; replaces arginine 1991 with tryptophan.
Molecular consequence: missense variant. On other transcripts: non-coding transcript variant (1), intron variant (1).
Genome position (GRCh38, 1-based): chr21:33,555,202, C>T. VCF-style: chr21-33555202-C-T. GRCh37 (hg19) VCF-style: chr21-34927508-C-T.
Other names: c.5971C>T, p.Arg1991Trp (NM_001291411.2, NM_032195.3); c.245-1954C>T (NM_001291412.3); short protein forms R1991W.
Identifiers: ClinVar variation 1416305 (VCV001416305.8), dbSNP rs766315464, ClinGen allele CA10009857.

ClinVar aggregate classification (germline): Uncertain significance (1 of 4 stars; one submission).

Allele frequency attached by ClinVar (database versions not stated): ExAC 0.00001; gnomAD exomes 0.00002; TOPMed 0.00002; gnomAD 0.00003 and 0.00004.

Submission:

Labcorp Genetics (formerly Invitae), Labcorp
Classification: Uncertain significance. Last evaluated: 2025-04-17. Review status: criteria provided, single submitter. Criteria: Invitae Variant Classification Sherloc (09022015). Collection method: clinical testing. Allele origin: germline.
Comment: This sequence change replaces arginine, which is basic and polar, with tryptophan, which is neutral and slightly polar, at codon 1991 of the SON protein (p.Arg1991Trp). The frequency data for this variant in the population databases is considered unreliable, as metrics indicate poor data quality at this position in the gnomAD database. This variant has not been reported in the literature in individuals affected with SON-related conditions. ClinVar contains an entry for this variant (Variation ID: 1416305). Experimental studies and prediction algorithms are not available or were not evaluated, and the functional significance of this variant is currently unknown. In summary, the available evidence is currently insufficient to determine the role of this variant in disease. Therefore, it has been classified as a Variant of Uncertain Significance.